The following is an entry in ClinVar:

ClinVar aggregate classification (germline): Benign/Likely benign. Review status: criteria provided, multiple submitters, no conflicts (2 of 4 stars). 6 submissions from 6 submitters: Benign (1); Likely benign (5). Last evaluated 2025-12-09.

Conditions:
Familial cancer of breast. Also called: BREAST CANCER, FAMILIAL; hereditary breast carcinoma; Hereditary breast cancer. Identifiers: Orphanet 227535, MedGen C0346153, MONDO:0016419, OMIM 114480. Disease mechanism: loss of function.
Fanconi anemia complementation group J. Also called: BRIP1-Related Fanconi Anemia. Identifiers: Orphanet 84, MedGen C1836860, MONDO:0012187, OMIM 609054.
Hereditary cancer-predisposing syndrome. Also called: Neoplastic Syndromes, Hereditary; Hereditary neoplastic syndrome; Tumor predisposition; Hereditary Cancer Syndrome. Identifiers: Orphanet 140162, MedGen C0027672, MeSH D009386, MONDO:0015356.

Allele frequency attached by ClinVar (database versions not stated): gnomAD exomes below 0.00001; TOPMed 0.00001.
gnomAD v4.1: 2 of 1,613,650 alleles (0.00012%); highest among the groups gnomAD compares: African/African-American, 0.0013%; no homozygotes.

Submissions (6):

Labcorp Genetics (formerly Invitae), Labcorp
Classification: Likely benign for Familial cancer of breast; Fanconi anemia complementation group J. Last evaluated: 2025-12-09. Review status: criteria provided, single submitter. Criteria: Invitae Variant Classification Sherloc (09022015). Collection method: clinical testing. Allele origin: germline.

Myriad Genetics, Inc.
Classification: Benign for Familial cancer of breast. Last evaluated: 2024-09-10. Review status: criteria provided, single submitter. Criteria: Myriad Autosomal Dominant, Autosomal Recessive and X-Linked Classification Criteria (2023). Collection method: clinical testing. Allele origin: unknown.
Comment: This variant is considered benign. This variant is a silent/synonymous amino acid change and it is not expected to impact splicing.

Women's Health and Genetics/Laboratory Corporation of America, LabCorp
Classification: Likely benign. Last evaluated: 2023-08-26. Review status: criteria provided, single submitter. Criteria: LabCorp Variant Classification Summary - May 2015. Collection method: clinical testing. Allele origin: germline.

Color Diagnostics, LLC DBA Color Health
Classification: Likely benign for Hereditary cancer-predisposing syndrome. Last evaluated: 2018-04-03. Review status: criteria provided, single submitter. Criteria: ACMG Guidelines, 2015. Collection method: clinical testing. Allele origin: germline.

GeneDx
Classification: Likely benign. Last evaluated: 2017-04-04. Review status: criteria provided, single submitter. Criteria: GeneDx Variant Classification (06012015). Collection method: clinical testing. Allele origin: germline. Affected: yes.
Comment: This variant is considered likely benign or benign based on one or more of the following criteria: it is a conservative change, it occurs at a poorly conserved position in the protein, it is predicted to be benign by multiple in silico algorithms, and/or has population frequency not consistent with disease.

Ambry Genetics
Classification: Likely benign for Hereditary cancer-predisposing syndrome. Last evaluated: 2016-01-29. Review status: criteria provided, single submitter. Criteria: Ambry Variant Classification Scheme 2023. Collection method: clinical testing. Allele origin: germline.

NM_032043.3(BRIP1):c.3552A>G (p.Glu1184=)

Gene: BRIP1 (BRCA1 interacting DNA helicase 1; minus strand). Cytogenetic location: 17q23.2.
Variant type: single nucleotide variant.
Coding change: c.3552A>G on transcript NM_032043.3 (MANE Select); coding-DNA position 3552, A replaced by G.
Protein change: p.Glu1184=; no amino-acid change (glutamic acid 1184 retained).
Molecular consequence: synonymous variant.
Genome position (GRCh38, 1-based): chr17:61,683,494, T>C on the plus strand (A>G on the coding strand, the complement: BRIP1 is on the minus strand). VCF-style: chr17-61683494-T-C. GRCh37 (hg19) VCF-style: chr17-59760855-T-C.
Identifiers: ClinVar variation 386646 (VCV000386646.17), dbSNP rs1057522561, ClinGen allele CA16607781.